The following is an entry in ClinVar:

ClinVar aggregate classification (germline): Uncertain significance (1 of 4 stars; one submission).

Allele frequency attached by ClinVar (database versions not stated): TOPMed below 0.00001.

Submission:

Labcorp Genetics (formerly Invitae), Labcorp
Classification: Uncertain significance. Last evaluated: 2023-10-03. Review status: criteria provided, single submitter. Criteria: Invitae Variant Classification Sherloc (09022015). Collection method: clinical testing. Allele origin: germline.
Comment: This sequence change replaces alanine, which is neutral and non-polar, with serine, which is neutral and polar, at codon 941 of the FAT4 protein (p.Ala941Ser). This variant is not present in population databases (gnomAD no frequency). This variant has not been reported in the literature in individuals affected with FAT4-related conditions. ClinVar contains an entry for this variant (Variation ID: 1490770). Advanced modeling of protein sequence and biophysical properties (such as structural, functional, and spatial information, amino acid conservation, physicochemical variation, residue mobility, and thermodynamic stability) performed at Invitae indicates that this missense variant is not expected to disrupt FAT4 protein function. In summary, the available evidence is currently insufficient to determine the role of this variant in disease. Therefore, it has been classified as a Variant of Uncertain Significance.

NM_001291303.3(FAT4):c.2821G>T (p.Ala941Ser)

Gene: FAT4 (FAT atypical cadherin 4; plus strand). Cytogenetic location: 4q28.1.
Variant type: single nucleotide variant.
Coding change: c.2821G>T on transcript NM_001291303.3 (MANE Select); coding-DNA position 2821, G replaced by T.
Protein change: p.Ala941Ser; replaces alanine 941 with serine.
Molecular consequence: missense variant.
Genome position (GRCh38, 1-based): chr4:125,319,232, G>T. VCF-style: chr4-125319232-G-T. GRCh37 (hg19) VCF-style: chr4-126240387-G-T.
Other names: c.2821G>T, p.Ala941Ser (NM_001291285.3, NM_024582.6); short protein forms A941S.
Identifiers: ClinVar variation 1490770 (VCV001490770.4), dbSNP rs1730808695, ClinGen allele CA358121180.
Genomic context (GRCh38, chr4:125,319,232, plus strand): 5'-GATGAAGGTGTCAATGGCATGGTACTCTATAGTCTGAAGCAAAACCCCAAGAACCTGTTT[G>T]CTATCAATGAAAAGAATGGCACTATTAGTCTGCTTGGGCCCCTGGATGTTCATGCTGGCT-3'
Protein context (NP_001278232.1, residues 931-951): SLKQNPKNLF[Ala941Ser]INEKNGTISL